The following is an entry in ClinVar:

ClinVar aggregate classification (germline): Uncertain significance (1 of 4 stars; one submission).

Allele frequency attached by ClinVar (database versions not stated): gnomAD exomes below 0.00001; TOPMed below 0.00001.
gnomAD v4.1: 2 of 1,613,696 alleles (0.00012%); highest among the groups gnomAD compares: Non-Finnish European, 0.00017%; no homozygotes.

Submission:

GeneDx
Classification: Uncertain significance. Last evaluated: 2023-03-03. Review status: criteria provided, single submitter. Criteria: GeneDx Variant Classification Process June 2021. Collection method: clinical testing. Allele origin: germline. Affected: yes.
Comment: Not observed at significant frequency in large population cohorts (gnomAD); In silico analysis supports that this missense variant has a deleterious effect on protein structure/function; Has not been previously published as pathogenic or benign to our knowledge

NM_000944.5(PPP3CA):c.1457G>A (p.Arg486His)

Gene: PPP3CA (protein phosphatase 3 catalytic subunit alpha; minus strand). Cytogenetic location: 4q24.
Variant type: single nucleotide variant.
Coding change: c.1457G>A on transcript NM_000944.5 (MANE Select); coding-DNA position 1457, G replaced by A.
Protein change: p.Arg486His; replaces arginine 486 with histidine.
Molecular consequence: missense variant.
Genome position (GRCh38, 1-based): chr4:101,025,974, C>T on the plus strand (G>A on the coding strand, the complement: PPP3CA is on the minus strand). VCF-style: chr4-101025974-C-T. GRCh37 (hg19) VCF-style: chr4-101947131-C-T.
Other names: c.1427G>A, p.Arg476His (NM_001130691.2); c.1301G>A, p.Arg434His (NM_001130692.2); short protein forms R434H, R476H, R486H.
Identifiers: ClinVar variation 2579990 (VCV002579990.1), dbSNP rs1296940907, ClinGen allele CA357947651.